The following is an entry in ClinVar:

ClinVar aggregate classification (germline): Conflicting classifications of pathogenicity. Review status: criteria provided, conflicting classifications (1 of 4 stars). 2 submissions from 2 submitters: Uncertain significance (1); Likely benign (1). Last evaluated 2025-05-30.

Conditions:
TTN-related disorder. Also called: TTN-related disorders; TTN-related condition; TTN-related disease.

Allele frequency attached by ClinVar (database versions not stated): gnomAD exomes below 0.00001; TOPMed 0.00002.
gnomAD v4.1: 5 of 1,613,512 alleles (0.00031%); highest among the groups gnomAD compares: Non-Finnish European, 0.00034%; no homozygotes.

Submissions (2):

PreventionGenetics, part of Exact Sciences
Classification: Uncertain significance for TTN-related condition. Last evaluated: 2025-05-30. Review status: criteria provided, single submitter. Criteria: ACMG Guidelines, 2015. Collection method: clinical testing. Allele origin: germline.
Comment: The TTN c.79678A>G variant is predicted to result in the amino acid substitution p.Lys26560Glu. To our knowledge, this variant has not been reported in the literature or in a large population database (gnomAD), indicating this variant is rare. At this time, the clinical significance of this variant is uncertain due to the absence of conclusive functional and genetic evidence.

GeneDx
Classification: Likely benign. Last evaluated: 2018-05-22. Review status: criteria provided, single submitter. Criteria: GeneDx Variant Classification (06012015). Collection method: clinical testing. Allele origin: germline. Affected: yes.
Comment: This variant is considered likely benign or benign based on one or more of the following criteria: it is a conservative change, it occurs at a poorly conserved position in the protein, it is predicted to be benign by multiple in silico algorithms, and/or has population frequency not consistent with disease.

NM_001267550.2(TTN):c.79678A>G (p.Lys26560Glu)

Genes: TTN (titin; minus strand), TTN-AS1 (TTN antisense RNA 1; plus strand). Cytogenetic location: 2q31.2.
Variant type: single nucleotide variant.
Coding change: c.79678A>G on transcript NM_001267550.2 (MANE Select); coding-DNA position 79678, A replaced by G.
Protein change: p.Lys26560Glu; replaces lysine 26560 with glutamic acid.
Molecular consequence: missense variant.
Genome position (GRCh38, 1-based): chr2:178,566,454, T>C on the plus strand (A>G on the coding strand, the complement: TTN is on the minus strand). VCF-style: chr2-178566454-T-C. GRCh37 (hg19) VCF-style: chr2-179431181-T-C.
Other names: c.74755A>G, p.Lys24919Glu (NM_001256850.1); c.52483A>G, p.Lys17495Glu (NM_003319.4); c.71974A>G, p.Lys23992Glu (NM_133378.4); c.52858A>G, p.Lys17620Glu (NM_133432.3); c.53059A>G, p.Lys17687Glu (NM_133437.4); short protein forms K17687E, K26560E, K24919E, K17495E, K17620E, K23992E.
Identifiers: ClinVar variation 680132 (VCV000680132.2), dbSNP rs994825543, ClinGen allele CA60989853.